The following is an entry in ClinVar:

NM_023110.3(FGFR1):c.820G>C (p.Glu274Gln)

Gene: FGFR1 (fibroblast growth factor receptor 1; minus strand). Cytogenetic location: 8p11.23.
Variant type: single nucleotide variant.
Coding change: c.820G>C on transcript NM_023110.3 (MANE Select); coding-DNA position 820, G replaced by C.
Protein change: p.Glu274Gln; replaces glutamic acid 274 with glutamine.
Molecular consequence: missense variant.
Genome position (GRCh38, 1-based): chr8:38,424,625, C>G on the plus strand (G>C on the coding strand, the complement: FGFR1 is on the minus strand). VCF-style: chr8-38424625-C-G. GRCh37 (hg19) VCF-style: chr8-38282143-C-G.
Other names: c.820G>C, p.Glu274Gln (NM_001174063.2); c.796G>C, p.Glu266Gln (NM_001174064.2); c.814G>C, p.Glu272Gln (NM_001174065.2, NM_001354367.2, NM_001354369.2 and 1 more transcripts); c.553G>C, p.Glu185Gln (NM_001174066.2, NM_023105.3); c.913G>C, p.Glu305Gln (NM_001174067.2); c.547G>C, p.Glu183Gln (NM_001354368.2, NM_001354370.2, NM_023106.3); short protein forms E183Q, E185Q, E266Q, E272Q, E274Q, E305Q.
Identifiers: ClinVar variation 1311431 (VCV001311431.3), dbSNP rs1443012936, ClinGen allele CA370735033.
Genomic context (GRCh38, chr8:38,424,625, plus strand): 5'-CGATGTGCTTTAGCCACTGGATGTGCGGCTGCGGGTCACTGTACACCTTACACATGAACT[C>G]CACGTTGCTACCCAGGGCCACTGTTTTGTTGGCGGGCAACCCTGCTTGCAGGATGGGCCG-3'
Protein context (NP_075598.2, residues 264-284): NKTVALGSNV[Glu274Gln]FMCKVYSDPQ

ClinVar aggregate classification (germline): Uncertain significance. Review status: criteria provided, multiple submitters, no conflicts (2 of 4 stars). 2 submissions from 2 submitters: Uncertain significance (2). Last evaluated 2025-07-27.

Conditions:
Hypogonadotropic hypogonadism 2 with or without anosmia (HH2). Also called: HYPOGONADOTROPIC HYPOGONADISM 2 WITHOUT ANOSMIA; FGFR1-Related GnRH Deficiency (Kallmann Syndrome 2); HYPOGONADOTROPIC HYPOGONADISM 2 WITH OR WITHOUT ANOSMIA, SUSCEPTIBILITY TO; HYPOGONADOTROPIC HYPOGONADISM 2 WITHOUT ANOSMIA, SUSCEPTIBILITY TO. Identifiers: Orphanet 478, MedGen C1563720, MONDO:0007844, OMIM 147950. Disease mechanism: loss of function.
Pfeiffer syndrome (ACS5). Also called: ACS V. Identifiers: Orphanet 710, MedGen C0220658, MONDO:0007043, OMIM 101600.

gnomAD v4.1: 2 of 1,614,118 alleles (0.00012%); highest among the groups gnomAD compares: Non-Finnish European, 0.00017%; no homozygotes.

Submissions (2):

Labcorp Genetics (formerly Invitae), Labcorp
Classification: Uncertain significance for Pfeiffer syndrome; Hypogonadotropic hypogonadism 2 with or without anosmia. Last evaluated: 2025-07-27. Review status: criteria provided, single submitter. Criteria: Invitae Variant Classification Sherloc (09022015). Collection method: clinical testing. Allele origin: germline.
Comment: This sequence change replaces glutamic acid, which is acidic and polar, with glutamine, which is neutral and polar, at codon 274 of the FGFR1 protein (p.Glu274Gln). This variant is not present in population databases (gnomAD no frequency). This variant has not been reported in the literature in individuals affected with FGFR1-related conditions. ClinVar contains an entry for this variant (Variation ID: 1311431). Invitae Evidence Modeling of protein sequence and biophysical properties (such as structural, functional, and spatial information, amino acid conservation, physicochemical variation, residue mobility, and thermodynamic stability) indicates that this missense variant is not expected to disrupt FGFR1 protein function with a negative predictive value of 80%. In summary, the available evidence is currently insufficient to determine the role of this variant in disease. Therefore, it has been classified as a Variant of Uncertain Significance.

GeneDx
Classification: Uncertain significance. Last evaluated: 2020-01-18. Review status: criteria provided, single submitter. Criteria: GeneDx Variant Classification Process June 2021. Collection method: clinical testing. Allele origin: germline. Affected: yes.
Comment: Not observed in large population cohorts (Lek et al., 2016); In silico analysis, which includes protein predictors and evolutionary conservation, supports that this variant does not alter protein structure/function; Has not been previously published as pathogenic or benign to our knowledge